The following is an entry in ClinVar:

NM_018713.3(SLC30A10):c.1118C>A (p.Ala373Glu)

Gene: SLC30A10 (solute carrier family 30 member 10; minus strand). Cytogenetic location: 1q41.
Variant type: single nucleotide variant.
Coding change: c.1118C>A on transcript NM_018713.3 (MANE Select); coding-DNA position 1118, C replaced by A.
Protein change: p.Ala373Glu; replaces alanine 373 with glutamic acid.
Molecular consequence: missense variant. On other transcripts: non-coding transcript variant (2).
Genome position (GRCh38, 1-based): chr1:219,915,789, G>T on the plus strand (C>A on the coding strand, the complement: SLC30A10 is on the minus strand). VCF-style: chr1-219915789-G-T. GRCh37 (hg19) VCF-style: chr1-220089131-G-T.
Other names: c.929C>A, p.Ala310Glu (NM_001376929.1); short protein forms A373E, A310E.
Identifiers: ClinVar variation 295585 (VCV000295585.11), dbSNP rs202111121, ClinGen allele CA1399167.
Genomic context (GRCh38, chr1:219,915,789, plus strand): 5'-TGCTCCAGGGGTTCCTTCAAGTCCACATTTTCAAACTGGATGGTCACATTGTGGATTCCC[G>T]CATGGTGGAAGATTTCTCGAATTTTTGTGCTGGCATCTTGATATCCCCTGTCCTTAGGAT-3'
Protein context (NP_061183.2, residues 363-383): STKIREIFHH[Ala373Glu]GIHNVTIQFE

ClinVar aggregate classification (germline): Conflicting classifications of pathogenicity. Review status: criteria provided, conflicting classifications (1 of 4 stars). 3 submissions from 3 submitters: Uncertain significance (2); Likely benign (1). Last evaluated 2026-09-30.

Conditions:
Hypermanganesemia with dystonia, polycythemia, and cirrhosis (HMNDYT1). Also called: Cirrhosis - dystonia - polycythemia - hypermanganesemia syndrome; Hypermanganesemia with Dystonia 1; Hepatic Cirrhosis, Dystonia, Polycythemia and Hypermanganesemia. Identifiers: Orphanet 309854, MedGen C2750442, MONDO:0013208, OMIM 613280.

Allele frequency attached by ClinVar (database versions not stated): TOPMed 0.00011; gnomAD exomes 0.00014; gnomAD 0.00009; ExAC 0.00016; ESP Exome Variant Server 0.00023.
gnomAD v4.1: 146 of 1,614,046 alleles (0.009%); highest among the groups gnomAD compares: Admixed American, 0.0033%; no homozygotes.

Submissions (3):

GeneDx
Classification: Uncertain significance. Last evaluated: 2026-09-30. Review status: criteria provided, single submitter. Criteria: GeneDx Variant Classification Process June 2021. Collection method: clinical testing. Allele origin: germline.
Comment: In silico analysis suggests that this missense variant does not alter protein structure/function; Has not been previously published as pathogenic or benign to our knowledge

Labcorp Genetics (formerly Invitae), Labcorp
Classification: Likely benign. Last evaluated: 2024-12-04. Review status: criteria provided, single submitter. Criteria: Invitae Variant Classification Sherloc (09022015). Collection method: clinical testing. Allele origin: germline.

Illumina Laboratory Services, Illumina
Classification: Uncertain significance for Hypermanganesemia with dystonia, polycythemia, and cirrhosis. Last evaluated: 2018-01-13. Review status: criteria provided, single submitter. Criteria: ICSL Variant Classification Criteria 13 December 2019. Collection method: clinical testing. Allele origin: germline.